The following is an entry in ClinVar:

NM_002755.4(MAP2K1):c.186_200del (p.Glu62_Asp66del)

Gene: MAP2K1 (mitogen-activated protein kinase kinase 1; plus strand). Cytogenetic location: 15q22.31.
Variant type: Deletion.
Coding change: c.186_200del on transcript NM_002755.4 (MANE Select); coding-DNA positions 186 to 200, 15 bases deleted (ACTGAAGGATGACGA).
Protein change: p.Glu62_Asp66del.
Molecular consequence: inframe deletion.
Genome position (GRCh38, 1-based): chr15:66,435,132-66,435,146, ACTGAAGGATGACGA deleted; deleting any 15 consecutive bases within chr15:66,435,130-66,435,146 gives the same sequence; the c. name uses the placement nearest the transcript's 3' end. VCF-style (leftmost placement, unchanged base first): chr15-66435129-AGAACTGAAGGATGAC-A. GRCh37 (hg19) VCF-style: chr15-66727467-AGAACTGAAGGATGAC-A.
Other names: c.186_200delACTGAAGGATGACGA (NM_002755.3).
Identifiers: ClinVar variation 372929 (VCV000372929.1), dbSNP rs1057518080, ClinGen allele CA16042894.

ClinVar aggregate classification (germline): Likely pathogenic (1 of 4 stars; one submission).

Submission:

GeneDx
Classification: Likely pathogenic. Last evaluated: 2016-03-08. Review status: criteria provided, single submitter. Criteria: GeneDx Variant Classification (06012015). Collection method: clinical testing. Allele origin: germline. Affected: yes.
Comment: The c.186_200delACTGAAGGATGACGA variant in the MAP2K1 gene have been reported previously as a pathogenic variant, or as benign variants, to our knowledge. The variant was observed in approximately 6500 individuals of European and African American ancestry in the NHLBI Exome Sequencing Project, indicating they are not common benign variants in these populations. The c.186_200del15 variant is an in-frame deletion of five amino acid residues, denoted p.Glu62_Asp66del. The residues spanning p.Val60 to p.Asp66 are conserved across species. A germline point mutation (p.V60G) in this region and other nearby variants (p.K59del, p.D67N) have been reported in the Human Gene Mutation Database in association with CFC syndrome (Stenson et al., 2014), supporting the functional importance of this region of the protein. In addition, multiple similar in-frame deletions in somatic cell tumors in the MAP2K1 gene have been reported in an external variant database in association with lymphoid neoplasms (Forbes et al., 2015).